The following is an entry in ClinVar:

ClinVar aggregate classification (germline): Uncertain significance (1 of 4 stars; one submission).

Allele frequency attached by ClinVar (database versions not stated): TOPMed 0.00002; gnomAD exomes 0.00002; gnomAD 0.00001.
gnomAD v4.1: 24 of 1,613,422 alleles (0.0015%); highest among the groups gnomAD compares: Non-Finnish European, 0.0017%; no homozygotes.

Submission:

Labcorp Genetics (formerly Invitae), Labcorp
Classification: Uncertain significance. Last evaluated: 2025-03-26. Review status: criteria provided, single submitter. Criteria: Invitae Variant Classification Sherloc (09022015). Collection method: clinical testing. Allele origin: germline.
Comment: This sequence change replaces proline, which is neutral and non-polar, with leucine, which is neutral and non-polar, at codon 65 of the IL18BP protein (p.Pro65Leu). This variant is present in population databases (no rsID available, gnomAD 0.003%). This variant has not been reported in the literature in individuals affected with IL18BP-related conditions. ClinVar contains an entry for this variant (Variation ID: 3020628). An algorithm developed to predict the effect of missense changes on protein structure and function (PolyPhen-2) suggests that this variant is likely to be disruptive. In summary, the available evidence is currently insufficient to determine the role of this variant in disease. Therefore, it has been classified as a Variant of Uncertain Significance.

NM_001039660.2(IL18BP):c.194C>T (p.Pro65Leu)

Gene: IL18BP (interleukin 18 binding protein; plus strand). Cytogenetic location: 11q13.4.
Variant type: single nucleotide variant.
Coding change: c.194C>T on transcript NM_001039660.2 (MANE Select); coding-DNA position 194, C replaced by T.
Protein change: p.Pro65Leu; replaces proline 65 with leucine.
Molecular consequence: missense variant.
Genome position (GRCh38, 1-based): chr11:72,000,516, C>T. VCF-style: chr11-72000516-C-T. GRCh37 (hg19) VCF-style: chr11-71711562-C-T.
Other names: c.194C>T, p.Pro65Leu (NM_001039659.2, NM_001145055.1, NM_001145057.1 and 3 more transcripts); short protein forms P65L.
Identifiers: ClinVar variation 3020628 (VCV003020628.3), dbSNP rs1330928908, ClinGen allele CA381720674.